The following is an entry in ClinVar:

ClinVar aggregate classification (germline): Benign/Likely benign. Review status: criteria provided, multiple submitters, no conflicts (2 of 4 stars). 9 submissions from 9 submitters: Benign (4); Likely benign (4). 1 of the submissions does not count toward it. Last evaluated 2025-10-28.

Conditions:
Hereditary cancer-predisposing syndrome. Also called: Tumor predisposition; Hereditary neoplastic syndrome; Neoplastic Syndromes, Hereditary; Hereditary Cancer Syndrome. Identifiers: Orphanet 140162, MedGen C0027672, MeSH D009386, MONDO:0015356.
Lynch syndrome 8 (LYNCH8). Also called: Colorectal cancer, hereditary nonpolyposis, type 8. Identifiers: Orphanet 144, MedGen C2750471, MONDO:0013196, OMIM 613244.

Allele frequency attached by ClinVar (database versions not stated): 1000 Genomes Project 30x 0.00031; 1000 Genomes Project 0.00040; ESP Exome Variant Server 0.00149; gnomAD 0.00187 and 0.00192; TOPMed 0.00188.
gnomAD v4.1: 3,287 of 1,552,862 alleles (0.21%); highest among the groups gnomAD compares: Non-Finnish European, 0.19%; 11 homozygotes.

Submissions (9):

Dasa
Classification: Benign. Last evaluated: 2025-10-28. Review status: criteria provided, single submitter. Criteria: DASA Assertion Criteria. Collection method: clinical testing. Allele origin: germline.
Comment: NM_002354.3(EPCAM):c.5C>T (p.Ala2Val) is a missense variant that results in the substitution of alanine with valine. Population frequency is inconsistent with a disease-causing role for this variant, and observations in unaffected individuals support a benign interpretation. Therefore, based on the currently available evidence, this variant is classified as benign.

Labcorp Genetics (formerly Invitae), Labcorp
Classification: Benign. Last evaluated: 2025-08-07. Review status: criteria provided, single submitter. Criteria: Invitae Variant Classification Sherloc (09022015). Collection method: clinical testing. Allele origin: germline.

KCCC/NGS Laboratory, Kuwait Cancer Control Center
Classification: Benign for Lynch syndrome 8. Last evaluated: 2025-02-01. Review status: criteria provided, single submitter. Criteria: ACMG Guidelines, 2015. Collection method: clinical testing. Allele origin: germline. Affected: no.

Blueprint Genetics
Classification: Likely benign. Last evaluated: 2024-11-26. Review status: criteria provided, single submitter. Criteria: ACMG Guidelines, 2015. Collection method: clinical testing. Allele origin: germline.

CeGaT Center for Human Genetics Tuebingen
Classification: Likely benign. Last evaluated: 2023-09-01. Review status: criteria provided, single submitter. Criteria: CeGaT Center For Human Genetics Tuebingen Variant Classification Criteria Version 2. Collection method: clinical testing. Allele origin: germline. Affected: yes. Observed: 3 variant alleles.
Comment: EPCAM: BS1

PreventionGenetics, part of Exact Sciences
Classification: Benign. Last evaluated: 2016-11-22. Review status: criteria provided, single submitter. Criteria: ACMG Guidelines, 2015. Collection method: clinical testing. Allele origin: germline.

GeneDx
Classification: Likely benign. Last evaluated: 2013-12-27. Review status: criteria provided, single submitter. Criteria: GeneDx Variant Classification (06012015). Collection method: clinical testing. Allele origin: germline. Affected: yes.
Comment: This variant is considered likely benign or benign based on one or more of the following criteria: it is a conservative change, it occurs at a poorly conserved position in the protein, it is predicted to be benign by multiple in silico algorithms, and/or has population frequency not consistent with disease.

Breakthrough Genomics
Classification: Likely benign. Review status: criteria provided, single submitter. Criteria: ACMG Guidelines, 2015. Collection method: not provided. Allele origin: germline. Inheritance: Autosomal recessive inheritance. Affected: yes.

True Health Diagnostics
Classification: Likely benign for Hereditary cancer-predisposing syndrome. Last evaluated: 2018-02-05. Review status: no assertion criteria provided. Collection method: clinical testing. Allele origin: germline. Not counted in ClinVar's aggregate classification.

NM_002354.3(EPCAM):c.5C>T (p.Ala2Val)

Gene: EPCAM (epithelial cell adhesion molecule; plus strand). Cytogenetic location: 2p21.
Variant type: single nucleotide variant.
Coding change: c.5C>T on transcript NM_002354.3 (MANE Select); coding-DNA position 5, C replaced by T.
Protein change: p.Ala2Val; replaces alanine 2 with valine.
Molecular consequence: missense variant.
Genome position (GRCh38, 1-based): chr2:47,369,510, C>T. VCF-style: chr2-47369510-C-T. GRCh37 (hg19) VCF-style: chr2-47596649-C-T.
Other names: p.A2V:GCG>GTG; short protein forms A2V.
Identifiers: ClinVar variation 127850 (VCV000127850.44), dbSNP rs201402370, ClinGen allele CA287883.